The following is an entry in ClinVar:

NM_001365951.3(KIF1B):c.5125C>A (p.His1709Asn)

Gene: KIF1B (kinesin family member 1B; plus strand). Cytogenetic location: 1p36.22.
Variant type: single nucleotide variant.
Coding change: c.5125C>A on transcript NM_001365951.3 (MANE Select); coding-DNA position 5125, C replaced by A.
Protein change: p.His1709Asn; replaces histidine 1709 with asparagine.
Molecular consequence: missense variant.
Genome position (GRCh38, 1-based): chr1:10,374,882, C>A. VCF-style: chr1-10374882-C-A. GRCh37 (hg19) VCF-style: chr1-10434940-C-A.
Other names: c.5125C>A, p.His1709Asn (NM_001365952.1); c.4987C>A, p.His1663Asn (NM_015074.3); short protein forms H1663N, H1709N.
Identifiers: ClinVar variation 4841886 (VCV004841886.1).
Genomic context (GRCh38, chr1:10,374,882, plus strand): 5'-GAAACTAACTTTTGTCATATTGTCGTTTTTAGCTCAGTGGTCTCTAAGAAAGGATACCTT[C>A]ATTTCAAGGAGCCTCTTTACAGTAACTGGGCTAAACATTTTGTTGTCGTCCGTCGGCCTT-3'
Protein context (NP_001352880.1, residues 1699-1719): SSVVSKKGYL[His1709Asn]FKEPLYSNWA

ClinVar aggregate classification (germline): Uncertain significance (1 of 4 stars; one submission).

Submission:

Ambry Genetics
Classification: Uncertain significance. Last evaluated: 2026-01-03. Review status: criteria provided, single submitter. Criteria: Ambry Variant Classification Scheme 2023. Collection method: clinical testing. Allele origin: germline.
Comment: The p.H1663N variant (also known as c.4987C>A), located in coding exon 44 of the KIF1B gene, results from a C to A substitution at nucleotide position 4987. The histidine at codon 1663 is replaced by asparagine, an amino acid with similar properties. This amino acid position is conserved. In addition, this alteration is predicted to be tolerated by in silico analysis. Based on the available evidence, the clinical significance of this variant remains unclear.